The following is an entry in ClinVar:

NM_000179.3(MSH6):c.2377G>T (p.Asp793Tyr)

Gene: MSH6 (mutS homolog 6; plus strand). Cytogenetic location: 2p16.3.
Variant type: single nucleotide variant.
Coding change: c.2377G>T on transcript NM_000179.3 (MANE Select); coding-DNA position 2377, G replaced by T.
Protein change: p.Asp793Tyr; replaces aspartic acid 793 with tyrosine.
Molecular consequence: missense variant. On other transcripts: non-coding transcript variant (5), intron variant (3).
Genome position (GRCh38, 1-based): chr2:47,800,360, G>T. VCF-style: chr2-47800360-G-T. GRCh37 (hg19) VCF-style: chr2-48027499-G-T.
Other names: c.1987G>T, p.Asp663Tyr (NM_001281492.2); c.1471G>T, p.Asp491Tyr (NM_001281493.2, NM_001281494.2, NM_001406811.1 and 6 more transcripts); c.2473G>T, p.Asp825Tyr (NM_001406795.1, NM_001406802.1); c.2377G>T, p.Asp793Tyr (NM_001406796.1, NM_001406798.1, NM_001406800.1 and 2 more transcripts); c.2080G>T, p.Asp694Tyr (NM_001406797.1, NM_001406801.1, NM_001406805.1 and 10 more transcripts); c.1852G>T, p.Asp618Tyr (NM_001406799.1, NM_001406806.1, NM_001406807.1); c.2299G>T, p.Asp767Tyr (NM_001406804.1); c.2383G>T, p.Asp795Tyr (NM_001406813.1); and 4 more; short protein forms D491Y, D618Y, D663Y, D694Y, D737Y, D767Y, D793Y, D795Y.
Identifiers: ClinVar variation 4860369 (VCV004860369.1).

ClinVar aggregate classification (germline): Uncertain significance (1 of 4 stars; one submission).

Conditions:
Hereditary cancer-predisposing syndrome. Also called: Neoplastic Syndromes, Hereditary; Tumor predisposition; Hereditary Cancer Syndrome; Hereditary neoplastic syndrome. Identifiers: Orphanet 140162, MedGen C0027672, MeSH D009386, MONDO:0015356.

Submission:

Ambry Genetics
Classification: Uncertain significance for Hereditary cancer-predisposing syndrome. Last evaluated: 2026-04-06. Review status: criteria provided, single submitter. Criteria: Ambry Variant Classification Scheme 2023. Collection method: clinical testing. Allele origin: germline.
Comment: The p.D793Y variant (also known as c.2377G>T), located in coding exon 4 of the MSH6 gene, results from a G to T substitution at nucleotide position 2377. The aspartic acid at codon 793 is replaced by tyrosine, an amino acid with highly dissimilar properties. This amino acid position is conserved. In addition, this alteration is predicted to be deleterious by in silico analysis. Based on the available evidence, the clinical significance of this variant remains unclear.